The following is an entry in ClinVar:

NM_001127221.2(CACNA1A):c.5532C>T (p.Cys1844=)

Gene: CACNA1A (calcium voltage-gated channel subunit alpha1 A; minus strand). Cytogenetic location: 19p13.13.
Variant type: single nucleotide variant.
Coding change: c.5532C>T on transcript NM_001127221.2 (MANE Plus Clinical); coding-DNA position 5532, C replaced by T.
Protein change: p.Cys1844=; no amino-acid change (cysteine 1844 retained).
Molecular consequence: synonymous variant. On other transcripts: intron variant (4).
Genome position (GRCh38, 1-based): chr19:13,228,795, G>A on the plus strand (C>T on the coding strand, the complement: CACNA1A is on the minus strand). VCF-style: chr19-13228795-G-A. GRCh37 (hg19) VCF-style: chr19-13339609-G-A.
Other names: c.5529-1268C>T (NM_001127222.2); c.5538-1268C>T (NM_001174080.2); c.5547-1268C>T (NM_000068.4, NM_023035.3).
Identifiers: ClinVar variation 1488695 (VCV001488695.6), dbSNP rs765557914, ClinGen allele CA9239694.

ClinVar aggregate classification (germline): Uncertain significance (1 of 4 stars; one submission).

Conditions:
Developmental and epileptic encephalopathy, 42 (DEE42A). Also called: DEVELOPMENTAL AND EPILEPTIC ENCEPHALOPATHY 42A; EPILEPTIC ENCEPHALOPATHY, EARLY INFANTILE, 42A; Epileptic encephalopathy, early infantile, 42. Identifiers: MedGen C4310716, MONDO:0014917, OMIM 617106.
Episodic ataxia type 2 (EA2). Also called: ATAXIA, EPISODIC, WITH NYSTAGMUS; ATAXIA, FAMILIAL PAROXYSMAL; CEREBELLAR ATAXIA, PAROXYSMAL, ACETAZOLAMIDE-RESPONSIVE; CEREBELLOPATHY, HEREDITARY PAROXYSMAL; EPISODIC ATAXIA, NYSTAGMUS-ASSOCIATED; ACETAZOLAMIDE-RESPONSIVE HEREDITARY PAROXYSMAL CEREBELLAR ATAXIA. Identifiers: Orphanet 97, MedGen C1720416, MONDO:0007163, OMIM 108500.

Allele frequency attached by ClinVar (database versions not stated): TOPMed below 0.00001; ExAC 0.00001; gnomAD 0.00001; gnomAD exomes 0.00001 and 0.00002.
gnomAD v4.1: 25 of 1,565,494 alleles (0.0016%); highest among the groups gnomAD compares: East Asian, 0.0048%; no homozygotes.

Submission:

Labcorp Genetics (formerly Invitae), Labcorp
Classification: Uncertain significance for Developmental and epileptic encephalopathy, 42; Episodic ataxia type 2. Last evaluated: 2026-02-02. Review status: criteria provided, single submitter. Criteria: Invitae Variant Classification Sherloc (09022015). Collection method: clinical testing. Allele origin: germline.
Comment: This sequence change affects codon 1844 of the CACNA1A mRNA. It is a 'silent' change, meaning that it does not change the encoded amino acid sequence of the CACNA1A protein. It affects a nucleotide within the consensus splice site. The frequency data for this variant in the population databases is considered unreliable, as metrics indicate poor data quality at this position in the gnomAD database. This variant has not been reported in the literature in individuals affected with CACNA1A-related conditions. ClinVar contains an entry for this variant (Variation ID: 1488695). Algorithms developed to predict the effect of sequence changes on RNA splicing suggest that this variant is not likely to affect RNA splicing. In summary, the available evidence is currently insufficient to determine the role of this variant in disease. Therefore, it has been classified as a Variant of Uncertain Significance.